The following is an entry in ClinVar:

ClinVar aggregate classification (germline): Pathogenic (1 of 4 stars; one submission).

Submission:

Labcorp Genetics (formerly Invitae), Labcorp
Classification: Pathogenic. Last evaluated: 2023-10-22. Review status: criteria provided, single submitter. Criteria: Invitae Variant Classification Sherloc (09022015). Collection method: clinical testing. Allele origin: germline.
Comment: This sequence change creates a premature translational stop signal (p.Pro161Argfs*5) in the TCIRG1 gene. It is expected to result in an absent or disrupted protein product. Loss-of-function variants in TCIRG1 are known to be pathogenic (PMID: 10888887, 10942435, 11532986, 19448635). The frequency data for this variant in the population databases is considered unreliable, as metrics indicate poor data quality at this position in the gnomAD database. This variant has not been reported in the literature in individuals affected with TCIRG1-related conditions. ClinVar contains an entry for this variant (Variation ID: 1362729). Algorithms developed to predict the effect of sequence changes on RNA splicing suggest that this variant may disrupt the consensus splice site. For these reasons, this variant has been classified as Pathogenic.

Literature cited by the submitters: PubMed 10888887; PubMed 10942435; PubMed 11532986; PubMed 19448635.

NM_006019.4(TCIRG1):c.480del (p.Pro161fs)

Gene: TCIRG1 (T cell immune regulator 1, ATPase H+ transporting V0 subunit a3; plus strand). Cytogenetic location: 11q13.2.
Variant type: Deletion.
Coding change: c.480del on transcript NM_006019.4 (MANE Select); coding-DNA position 480, one base deleted (G; older notation c.480delG).
Protein change: p.Pro161fs; shifts the reading frame from proline 161.
Molecular consequence: frameshift variant. On other transcripts: 5 prime UTR variant (2).
Genome position (GRCh38, 1-based): chr11:68,043,008, G deleted; the last of 6 consecutive G bases (chr11:68,043,003-68,043,008); deleting any one gives the same sequence. VCF-style (leftmost placement, unchanged base first): chr11-68043002-CG-C. GRCh37 (hg19) VCF-style: chr11-67810469-CG-C.
Other names: c.-770del (NM_001351059.2); c.-508del (NM_006053.4); short protein forms P161fs.
Identifiers: ClinVar variation 1362729 (VCV001362729.6), dbSNP rs1554995341, ClinGen allele CA600238566.